The following is an entry in ClinVar:

NM_000492.4(CFTR):c.3360A>C (p.Leu1120Phe)

Genes: CFTR (CF transmembrane conductance regulator; plus strand), CFTR-AS2 (CFTR antisense RNA 2; minus strand), LOC111674472 (DNase I hypersensitive sites in introns 16 and 17a of CFTR; plus strand). Cytogenetic location: 7q31.2.
Variant type: single nucleotide variant.
Coding change: c.3360A>C on transcript NM_000492.4 (MANE Select); coding-DNA position 3360, A replaced by C.
Protein change: p.Leu1120Phe; replaces leucine 1120 with phenylalanine.
Molecular consequence: missense variant.
Genome position (GRCh38, 1-based): chr7:117,611,801, A>C. VCF-style: chr7-117611801-A-C. GRCh37 (hg19) VCF-style: chr7-117251855-A-C.
Other names: short protein forms L1120F.
Identifiers: ClinVar variation 3231886 (VCV003231886.1), dbSNP rs2485130693, ClinGen allele CA368992621.

ClinVar aggregate classification (germline): Uncertain significance (1 of 4 stars; one submission).

Conditions:
Cystic fibrosis (CF). Also called: MUCOVISCIDOSIS. Identifiers: Orphanet 586, MedGen C0010674, MONDO:0009061, OMIM 219700. Disease mechanism: loss of function.

Submission:

Ambry Genetics
Classification: Uncertain significance for Cystic fibrosis. Last evaluated: 2023-10-10. Review status: criteria provided, single submitter. Criteria: Ambry Variant Classification Scheme 2023. Collection method: clinical testing. Allele origin: germline.
Comment: The p.L1120F variant (also known as c.3360A>C), located in coding exon 20 of the CFTR gene, results from an A to C substitution at nucleotide position 3360. The leucine at codon 1120 is replaced by phenylalanine, an amino acid with highly similar properties. This amino acid position is conserved. In addition, the in silico prediction for this alteration is inconclusive. Since supporting evidence is limited at this time, the clinical significance of this alteration remains unclear.